The following is an entry in ClinVar:

NM_001089.3(ABCA3):c.1106G>A (p.Ser369Asn)

Gene: ABCA3 (ATP binding cassette subfamily A member 3; minus strand). Cytogenetic location: 16p13.3.
Variant type: single nucleotide variant.
Coding change: c.1106G>A on transcript NM_001089.3 (MANE Select); coding-DNA position 1106, G replaced by A.
Protein change: p.Ser369Asn; replaces serine 369 with asparagine.
Molecular consequence: missense variant.
Genome position (GRCh38, 1-based): chr16:2,317,288, C>T on the plus strand (G>A on the coding strand, the complement: ABCA3 is on the minus strand). VCF-style: chr16-2317288-C-T. GRCh37 (hg19) VCF-style: chr16-2367289-C-T.
Other names: c.1106G>A (NM_001089.2); short protein forms S369N.
Identifiers: ClinVar variation 1363390 (VCV001363390.5), dbSNP rs146349964, ClinGen allele CA7841384.

ClinVar aggregate classification (germline): Uncertain significance. Review status: criteria provided, multiple submitters, no conflicts (2 of 4 stars). 3 submissions from 3 submitters: Uncertain significance (3). Last evaluated 2025-02-05.

Conditions:
Hereditary pulmonary alveolar proteinosis. Also called: Pulmonary surfactant metabolism dysfunction. Identifiers: Orphanet 264675, MedGen C3711368, MONDO:0012580.

Allele frequency attached by ClinVar (database versions not stated): gnomAD exomes 0.00003; gnomAD 0.00001; ExAC 0.00002; ESP Exome Variant Server 0.00008; TOPMed 0.00002.
gnomAD v4.1: 39 of 1,613,884 alleles (0.0024%); highest among the groups gnomAD compares: Non-Finnish European, 0.0032%; no homozygotes.

Submissions (3):

Ambry Genetics
Classification: Uncertain significance for Hereditary pulmonary alveolar proteinosis. Last evaluated: 2025-02-05. Review status: criteria provided, single submitter. Criteria: Ambry Variant Classification Scheme 2023. Collection method: clinical testing. Allele origin: germline.

Labcorp Genetics (formerly Invitae), Labcorp
Classification: Uncertain significance. Last evaluated: 2022-02-04. Review status: criteria provided, single submitter. Criteria: Invitae Variant Classification Sherloc (09022015). Collection method: clinical testing. Allele origin: germline.
Comment: This sequence change replaces serine, which is neutral and polar, with asparagine, which is neutral and polar, at codon 369 of the ABCA3 protein (p.Ser369Asn). This variant is present in population databases (rs146349964, gnomAD 0.006%). This variant has not been reported in the literature in individuals affected with ABCA3-related conditions. Algorithms developed to predict the effect of missense changes on protein structure and function output the following: SIFT: "Deleterious"; PolyPhen-2: "Benign"; Align-GVGD: "Class C0". The asparagine amino acid residue is found in multiple mammalian species, which suggests that this missense change does not adversely affect protein function. In summary, the available evidence is currently insufficient to determine the role of this variant in disease. Therefore, it has been classified as a Variant of Uncertain Significance.

Breakthrough Genomics
Classification: Uncertain significance. Review status: criteria provided, single submitter. Criteria: ACMG Guidelines, 2015. Collection method: not provided. Allele origin: germline. Inheritance: Autosomal recessive inheritance. Affected: yes.